The following is an entry in ClinVar:

NM_000090.4(COL3A1):c.1609-5_1615del

Gene: COL3A1 (collagen type III alpha 1 chain; plus strand). Cytogenetic location: 2q32.2.
Variant type: Deletion.
Coding change: c.1609-5_1615del on transcript NM_000090.4 (MANE Select); 5 bases into the intron before coding-DNA position 1609 through coding-DNA position 1615, 12 bases deleted (TTCAGGGCATGC).
Molecular consequence: splice acceptor variant.
Genome position (GRCh38, 1-based): chr2:188,996,120-188,996,131, TTCAGGGCATGC deleted; deleting any 12 consecutive bases within chr2:188,996,119-188,996,131 gives the same sequence; the c. name uses the placement nearest the transcript's 3' end. VCF-style (leftmost placement, unchanged base first): chr2-188996118-ACTTCAGGGCATG-A. GRCh37 (hg19) VCF-style: chr2-189860844-ACTTCAGGGCATG-A.
Identifiers: ClinVar variation 2632145 (VCV002632145.1), dbSNP rs2469134005, ClinGen allele CA2695197092.

ClinVar aggregate classification (germline): Likely pathogenic (1 of 4 stars; one submission).

Conditions:
COL3A1-related disorder. Also called: COL3A1-related condition.

Submission:

PreventionGenetics, part of Exact Sciences
Classification: Likely pathogenic for COL3A1-related condition. Last evaluated: 2023-06-19. Review status: criteria provided, single submitter. Criteria: ACMG Guidelines, 2015. Collection method: clinical testing. Allele origin: germline.
Comment: The COL3A1 c.1609-5_1615del12 variant is predicted to result in an in-frame deletion (Splicing ). Based on available splicing prediction programs (Alamut Visual Plus v1.6.1) this variant is predicted to abolish the consensus splice acceptor site; however, to date this prediction has not been proven by functional studies. To our knowledge, this variant has not been reported in the literature or in a large population database, indicating this variant is rare. Variants that disrupt the consensus splice acceptor site in COL3A1 are expected to be pathogenic. This variant is interpreted as likely pathogenic.